The following is an entry in ClinVar:

NM_001451.3(FOXF1):c.939del (p.Leu314fs)

Gene: FOXF1 (forkhead box F1; plus strand). Cytogenetic location: 16q24.1.
Variant type: Deletion.
Coding change: c.939del on transcript NM_001451.3 (MANE Select); coding-DNA position 939, one base deleted (T; older notation c.939delT).
Protein change: p.Leu314fs; shifts the reading frame from leucine 314.
Molecular consequence: frameshift variant.
Genome position (GRCh38, 1-based): chr16:86,511,508, T deleted. VCF-style (leftmost placement, unchanged base first): chr16-86511507-AT-A. GRCh37 (hg19) VCF-style: chr16-86545113-AT-A.
Other names: short protein forms L314fs.
Identifiers: ClinVar variation 423429 (VCV000423429.2), dbSNP rs1064796420, ClinGen allele CA16620278.

ClinVar aggregate classification (germline): Likely pathogenic (1 of 4 stars; one submission).

Submission:

GeneDx
Classification: Likely pathogenic. Last evaluated: 2017-02-17. Review status: criteria provided, single submitter. Criteria: GeneDx Variant Classification (06012015). Collection method: clinical testing. Allele origin: germline. Affected: yes.
Comment: The c.939delT variant in the FOXF1 gene has not been reported previously as a pathogenic variant nor as a benign variant, to our knowledge. The c.939delT variant causes a frameshift starting with codon Leucine 314, changes this amino acid to a Cysteine residue, and creates a premature Stop codon at position 65 of the new reading frame, denoted p.Leu314CysfsX65. This variant is predicted to cause loss of normal protein function through protein truncation as the last 66 amino acids of the FOXF1 protein are lost and replaced with 64 incorrect amino acids. The c.939delT variant is not observed in large population cohorts (Lek et al., 2016; 1000 Genomes Consortium et al., 2015; Exome Variant Server). Therefore, we interpret c.939delT as a likely pathogenic variant.